The following is an entry in ClinVar:

ClinVar aggregate classification (germline): Likely pathogenic. Review status: criteria provided, multiple submitters, no conflicts (2 of 4 stars). 2 submissions from 2 submitters: Likely pathogenic (2). Last evaluated 2025-03-26.

Conditions:
Spinocerebellar ataxia type 15/16 (SCA15). Also called: Spinocerebellar Ataxia Type 15. Identifiers: Orphanet 98769, MedGen C1847725, MONDO:0011694, OMIM 606658.
Gillespie syndrome (GLSP). Also called: Aniridia, cerebellar ataxia, and mental deficiency; Aniridia-cerebellar ataxia-intellectual disability syndrome. Identifiers: Orphanet 1065, MedGen C0431401, MONDO:0008795, OMIM 206700.

Allele frequency attached by ClinVar (database versions not stated): TOPMed below 0.00001; gnomAD 0.00001; gnomAD exomes 0.00001.
gnomAD v4.1: 8 of 1,613,378 alleles (0.0005%); highest among the groups gnomAD compares: East Asian, 0.0022%; no homozygotes.

Submissions (2):

First Genomix Gene Laboratory, Genetic Diagnostics Department
Classification: Likely pathogenic for Gillespie syndrome. Last evaluated: 2025-03-26. Review status: criteria provided, single submitter. Criteria: ACMG Guidelines, 2015. Collection method: clinical testing. Allele origin: germline. Inheritance: Autosomal recessive inheritance. Affected: no. Observed: 1 variant allele.

Equipe Genetique des Anomalies du Developpement, Université de Bourgogne
Classification: Likely pathogenic for Spinocerebellar ataxia type 15/16. Last evaluated: 2021-10-28. Review status: criteria provided, single submitter. Criteria: ACMG Guidelines, 2015. Collection method: clinical testing. Allele origin: unknown. Affected: yes.

NM_001378452.1(ITPR1):c.1516C>T (p.Arg506Trp)

Gene: ITPR1 (inositol 1,4,5-trisphosphate receptor type 1; plus strand). Cytogenetic location: 3p26.1.
Variant type: single nucleotide variant.
Coding change: c.1516C>T on transcript NM_001378452.1 (MANE Select); coding-DNA position 1516, C replaced by T.
Protein change: p.Arg506Trp; replaces arginine 506 with tryptophan.
Molecular consequence: missense variant.
Genome position (GRCh38, 1-based): chr3:4,663,168, C>T. VCF-style: chr3-4663168-C-T. GRCh37 (hg19) VCF-style: chr3-4704852-C-T.
Other names: c.1516C>T, p.Arg506Trp (NM_001099952.4); c.1471C>T, p.Arg491Trp (NM_001168272.2, NM_002222.7); short protein forms R491W, R506W.
Identifiers: ClinVar variation 1302005 (VCV001302005.2), dbSNP rs2093873570, ClinGen allele CA351641466.